The following is an entry in ClinVar:

NM_000038.6(APC):c.136-2333T>C

Gene: APC (APC regulator of WNT signaling pathway; plus strand). Cytogenetic location: 5q22.2.
Variant type: single nucleotide variant.
Coding change: c.136-2333T>C on transcript NM_000038.6 (MANE Select); 2333 bases into the intron before coding-DNA position 136, T replaced by C.
Molecular consequence: intron variant.
Genome position (GRCh38, 1-based): chr5:112,763,993, T>C. VCF-style: chr5-112763993-T-C. GRCh37 (hg19) VCF-style: chr5-112099690-T-C.
Other names: c.136-2333T>C (NM_001354895.2, NM_001127510.3, NM_001354896.2 and 2 more transcripts); c.166-2333T>C (NM_001354897.2, NM_001354902.2, NM_001127511.3); c.61-2333T>C (NM_001354898.2, NM_001354904.2); c.-900-2333T>C (NM_001354906.2); c.-42-2333T>C (NM_001354900.2, NM_001354901.2, NM_001354905.2).
Identifiers: ClinVar variation 82385 (VCV000082385.2), dbSNP rs7723423, ClinGen allele CA004590.
Genomic context (GRCh38, chr5:112,763,993, plus strand): 5'-ATCTTACAAAGAGAGACCTGATCGGCCGGGCGCGGTGGCTCACGCCTGTAATCCCAGCAC[T>C]TTGGGAGGCTGACGCGGGCGGATGGTGATGTCAGGAGATCGAGACCATCCTGGCTAACAC-3'

ClinVar aggregate classification (germline): other (0 of 4 stars; one submission).

Conditions:
Familial colorectal cancer. Identifiers: MedGen CN280943, MONDO:0023113. Disease mechanism: loss of function.

Allele frequency attached by ClinVar (database versions not stated): 1000 Genomes Project 0.03894; 1000 Genomes Project 30x 0.03982; gnomAD 0.03942 and 0.03645; TOPMed 0.04239.
gnomAD v4.1: 5,468 of 151,476 alleles (3.6%); highest among the groups gnomAD compares: African/African-American, 13%; 307 homozygotes.

Submission:

Systems Biology Platform Zhejiang California International NanoSystems Institute
Classification: other for Familial colorectal cancer. Review status: no assertion criteria provided. Collection method: not provided. Allele origin: unknown.
ClinVar note: Converted during submission from cancer to other.